The following is an entry in ClinVar:

ClinVar aggregate classification (germline): Uncertain significance (1 of 4 stars; one submission).

Conditions:
Carnitine palmitoyltransferase II deficiency. Also called: Carnitine Palmitoyltransferase 2 Deficiency. Identifiers: Orphanet 157, MedGen C0342790, MONDO:0015515.

Allele frequency attached by ClinVar (database versions not stated): gnomAD exomes below 0.00001.
gnomAD v4.1: 3 of 1,614,088 alleles (0.00019%); highest among the groups gnomAD compares: South Asian, 0.0033%; no homozygotes.

Submission:

Labcorp Genetics (formerly Invitae), Labcorp
Classification: Uncertain significance for Carnitine palmitoyltransferase II deficiency. Last evaluated: 2022-07-17. Review status: criteria provided, single submitter. Criteria: Invitae Variant Classification Sherloc (09022015). Collection method: clinical testing. Allele origin: germline.
Comment: This sequence change replaces aspartic acid, which is acidic and polar, with asparagine, which is neutral and polar, at codon 279 of the CPT2 protein (p.Asp279Asn). This variant is not present in population databases (gnomAD no frequency). This variant has not been reported in the literature in individuals affected with CPT2-related conditions. Advanced modeling of protein sequence and biophysical properties (such as structural, functional, and spatial information, amino acid conservation, physicochemical variation, residue mobility, and thermodynamic stability) performed at Invitae indicates that this missense variant is not expected to disrupt CPT2 protein function. In summary, the available evidence is currently insufficient to determine the role of this variant in disease. Therefore, it has been classified as a Variant of Uncertain Significance.

NM_000098.3(CPT2):c.835G>A (p.Asp279Asn)

Gene: CPT2 (carnitine palmitoyltransferase 2; plus strand). Cytogenetic location: 1p32.3.
Variant type: single nucleotide variant.
Coding change: c.835G>A on transcript NM_000098.3 (MANE Select); coding-DNA position 835, G replaced by A.
Protein change: p.Asp279Asn; replaces aspartic acid 279 with asparagine.
Molecular consequence: missense variant.
Genome position (GRCh38, 1-based): chr1:53,210,509, G>A. VCF-style: chr1-53210509-G-A. GRCh37 (hg19) VCF-style: chr1-53676181-G-A.
Other names: c.835G>A, p.Asp279Asn (NM_001330589.2); short protein forms D279N.
Identifiers: ClinVar variation 1929228 (VCV001929228.2), dbSNP rs2525588063, ClinGen allele CA340393869.